The following is an entry in ClinVar:

NM_019098.5(CNGB3):c.878A>C (p.His293Pro)

Gene: CNGB3 (cyclic nucleotide gated channel subunit beta 3; minus strand). Cytogenetic location: 8q21.3.
Variant type: single nucleotide variant.
Coding change: c.878A>C on transcript NM_019098.5 (MANE Select); coding-DNA position 878, A replaced by C.
Protein change: p.His293Pro; replaces histidine 293 with proline.
Molecular consequence: missense variant.
Genome position (GRCh38, 1-based): chr8:86,654,037, T>G on the plus strand (A>C on the coding strand, the complement: CNGB3 is on the minus strand). VCF-style: chr8-86654037-T-G. GRCh37 (hg19) VCF-style: chr8-87666265-T-G.
Other names: short protein forms H293P.
Identifiers: ClinVar variation 1956476 (VCV001956476.2), dbSNP rs924258407, ClinGen allele CA371448451.

ClinVar aggregate classification (germline): Uncertain significance (1 of 4 stars; one submission).

Submission:

Labcorp Genetics (formerly Invitae), Labcorp
Classification: Uncertain significance. Last evaluated: 2022-03-20. Review status: criteria provided, single submitter. Criteria: Invitae Variant Classification Sherloc (09022015). Collection method: clinical testing. Allele origin: germline.
Comment: This sequence change replaces histidine, which is basic and polar, with proline, which is neutral and non-polar, at codon 293 of the CNGB3 protein (p.His293Pro). This variant is not present in population databases (gnomAD no frequency). This variant has not been reported in the literature in individuals affected with CNGB3-related conditions. Algorithms developed to predict the effect of missense changes on protein structure and function are either unavailable or do not agree on the potential impact of this missense change (SIFT: "Deleterious"; PolyPhen-2: "Probably Damaging"; Align-GVGD: "Class C0"). In summary, the available evidence is currently insufficient to determine the role of this variant in disease. Therefore, it has been classified as a Variant of Uncertain Significance.